The following is an entry in ClinVar:

ClinVar aggregate classification (germline): Likely pathogenic. Review status: reviewed by expert panel (3 of 4 stars). 4 submissions from 4 submitters: Likely pathogenic (1). 3 of the submissions do not count toward it. Last evaluated 2026-10-05.

Conditions:
Hereditary thrombocytopenia and hematologic cancer predisposition syndrome. Identifiers: Orphanet 71290, MedGen CN281654, MONDO:0011071.
Hereditary thrombocytopenia and hematological cancer predisposition syndrome associated with RUNX1. Also called: Familial Platelet Disorder with Propensity to Acute Myelogenous Leukemia; Familial thrombocytopenia with propensity to acute myelogenous leukemia; PLATELET DISORDER, ASPIRIN-LIKE; RUNX1 Familial Platelet Disorder with Associated Myeloid Malignancies. Identifiers: Orphanet 71290, MedGen C1832388, MeSH C563324, MONDO:0100083, OMIM 601399.

Submissions (4):

ClinGen Myeloid Malignancy Variant Curation Expert Panel
Classification: Likely pathogenic for Hereditary thrombocytopenia and hematologic cancer predisposition syndrome. Last evaluated: 2026-10-05. Review status: reviewed by expert panel. Criteria: ClinGen MyeloMalig ACMG Specifications V3.1. Collection method: curation. Allele origin: germline. Inheritance: Autosomal dominant inheritance.
Comment: NM_001754.5(RUNX1):c.965C>G (p.Ser322Ter) is a nonsense variant which is not predicted to undergo NMD (PVS1_Strong). This variant is downstream of c.98 (PM5_Supporting) and is completely absent from all population databases with at least 20x coverage for RUNX1 (PM2_Supporting). In summary, this variant meets criteria to be classified as likely pathogenic. ACMG/AMP criteria applied, as specified by the ClinGen Myeloid Malignancy Variant Curation Expert Panel for RUNX1: PVS1_Strong, PM5_Supporting, PM2_Supporting.

Labcorp Genetics (formerly Invitae), Labcorp
Classification: Pathogenic for Hereditary thrombocytopenia and hematological cancer predisposition syndrome associated with RUNX1. Last evaluated: 2024-04-08. Review status: criteria provided, single submitter. Criteria: Invitae Variant Classification Sherloc (09022015). Collection method: clinical testing. Allele origin: germline. Not counted in ClinVar's aggregate classification.
Comment: This sequence change creates a premature translational stop signal (p.Ser322*) in the RUNX1 gene. While this is not anticipated to result in nonsense mediated decay, it is expected to disrupt the last 159 amino acid(s) of the RUNX1 protein. This variant is not present in population databases (gnomAD no frequency). This premature translational stop signal has been observed in individual(s) with clinical features of familial platelet disorder with associated myeloid malignancy (PMID: 31989091). ClinVar contains an entry for this variant (Variation ID: 1684398). This variant disrupts a region of the RUNX1 protein in which other variant(s) (p.Tyr414*) have been determined to be pathogenic (PMID: 14504086, 15749889, 22689681, 23753029, 30600763). This suggests that this is a clinically significant region of the protein, and that variants that disrupt it are likely to be disease-causing. For these reasons, this variant has been classified as Pathogenic.

GeneDx
Classification: Pathogenic. Last evaluated: 2023-12-05. Review status: criteria provided, single submitter. Criteria: GeneDx Variant Classification Process June 2021. Collection method: clinical testing. Allele origin: germline. Affected: yes. Not counted in ClinVar's aggregate classification.
Comment: Nonsense variant predicted to result in protein truncation, as the last 159 amino acids are lost, and other loss-of-function variants have been reported downstream in HGMD; Not observed at significant frequency in large population cohorts (gnomAD); This variant is associated with the following publications: (PMID: 31989091)

ISTH-SSC Genomics in Thrombosis and Hemostasis, KU Leuven, Center for Molecular and Vascular Biology
Classification: Likely pathogenic for Hereditary thrombocytopenia and hematological cancer predisposition syndrome associated with RUNX1. Review status: no assertion criteria provided. Collection method: research. Allele origin: unknown. Affected: yes. Not counted in ClinVar's aggregate classification.
Comment: Submitted to GoldVariant by Dr Marie-Christine Morel-Kopp from Northern Blood Research Centre, Sydney, Australia

Literature cited by the submitters: PubMed 31989091 (cited by Labcorp Genetics (formerly Invitae), Labcorp); PubMed 14504086 (cited by Labcorp Genetics (formerly Invitae), Labcorp); PubMed 15749889 (cited by Labcorp Genetics (formerly Invitae), Labcorp); PubMed 22689681 (cited by Labcorp Genetics (formerly Invitae), Labcorp); PubMed 23753029 (cited by Labcorp Genetics (formerly Invitae), Labcorp); PubMed 30600763 (cited by Labcorp Genetics (formerly Invitae), Labcorp).

NM_001754.5(RUNX1):c.965C>G (p.Ser322Ter)

Gene: RUNX1 (RUNX family transcription factor 1; minus strand). Cytogenetic location: 21q22.12.
Variant type: single nucleotide variant.
Coding change: c.965C>G on transcript NM_001754.5 (MANE Select); coding-DNA position 965, C replaced by G.
Protein change: p.Ser322Ter; replaces serine 322 with a stop codon.
Molecular consequence: nonsense.
Genome position (GRCh38, 1-based): chr21:34,799,303, G>C on the plus strand (C>G on the coding strand, the complement: RUNX1 is on the minus strand). VCF-style: chr21-34799303-G-C. GRCh37 (hg19) VCF-style: chr21-36171600-G-C.
Other names: NM_001754.5(RUNX1):c.965C>G; p.Ser322Ter; c.884C>G, p.Ser295Ter (NM_001001890.3); short protein forms S295*, S322*.
Identifiers: ClinVar variation 1684398 (VCV001684398.7), dbSNP rs2145906974, ClinGen allele CA410149567.